The following is an entry in ClinVar:

ClinVar aggregate classification (germline): Uncertain significance (1 of 4 stars; one submission).

Conditions:
Dilated cardiomyopathy 1G (CMD1G). Identifiers: Orphanet 154, MedGen C1858763, MONDO:0011400, OMIM 604145.
Autosomal recessive limb-girdle muscular dystrophy type 2J (LGMDR10). Also called: Limb-girdle muscular dystrophy, type 2J; MUSCULAR DYSTROPHY, LIMB-GIRDLE, AUTOSOMAL RECESSIVE 10. Identifiers: Orphanet 140922, MedGen C1837342, MONDO:0012127, OMIM 608807.

Submission:

Labcorp Genetics (formerly Invitae), Labcorp
Classification: Uncertain significance for Dilated cardiomyopathy 1G; Autosomal recessive limb-girdle muscular dystrophy type 2J. Last evaluated: 2023-09-21. Review status: criteria provided, single submitter. Criteria: Invitae Variant Classification Sherloc (09022015). Collection method: clinical testing. Allele origin: germline.
Comment: In summary, the available evidence is currently insufficient to determine the role of this variant in disease. Therefore, it has been classified as a Variant of Uncertain Significance. This variant is located in the M band of TTN (PMID: 25589632). Variants in this region may be relevant for neuromuscular disorders, but have not been definitively shown to cause cardiomyopathy (PMID: 23975875). Experimental studies and prediction algorithms are not available or were not evaluated, and the functional significance of this variant is currently unknown. This variant has not been reported in the literature in individuals affected with TTN-related conditions. This variant is not present in population databases (gnomAD no frequency). This sequence change replaces tyrosine, which is neutral and polar, with asparagine, which is neutral and polar, at codon 34032 of the TTN protein (p.Tyr34032Asn).

Literature cited by the submitters: PubMed 25589632; PubMed 23975875.

NM_001267550.2(TTN):c.102094T>A (p.Tyr34032Asn)

Genes: TTN (titin; minus strand), TTN-AS1 (TTN antisense RNA 1; plus strand). Cytogenetic location: 2q31.2.
Variant type: single nucleotide variant.
Coding change: c.102094T>A on transcript NM_001267550.2 (MANE Select); coding-DNA position 102094, T replaced by A.
Protein change: p.Tyr34032Asn; replaces tyrosine 34032 with asparagine.
Molecular consequence: missense variant.
Genome position (GRCh38, 1-based): chr2:178,534,521, A>T on the plus strand (T>A on the coding strand, the complement: TTN is on the minus strand). VCF-style: chr2-178534521-A-T. GRCh37 (hg19) VCF-style: chr2-179399248-A-T.
Other names: c.97171T>A, p.Tyr32391Asn (NM_001256850.1); c.74899T>A, p.Tyr24967Asn (NM_003319.4); c.94390T>A, p.Tyr31464Asn (NM_133378.4); c.75274T>A, p.Tyr25092Asn (NM_133432.3); c.75475T>A, p.Tyr25159Asn (NM_133437.4); short protein forms Y24967N, Y25092N, Y25159N, Y34032N, Y31464N, Y32391N.
Identifiers: ClinVar variation 2950248 (VCV002950248.3), dbSNP rs2468539148, ClinGen allele CA349418379.